The following is an entry in ClinVar:

NM_000091.5(COL4A3):c.2902G>T (p.Glu968Ter)

Genes: COL4A3 (collagen type IV alpha 3 chain; plus strand), MFF-DT (MFF divergent transcript; minus strand). Cytogenetic location: 2q36.3.
Variant type: single nucleotide variant.
Coding change: c.2902G>T on transcript NM_000091.5 (MANE Select); coding-DNA position 2902, G replaced by T.
Protein change: p.Glu968Ter; replaces glutamic acid 968 with a stop codon.
Molecular consequence: nonsense.
Genome position (GRCh38, 1-based): chr2:227,289,170, G>T. VCF-style: chr2-227289170-G-T. GRCh37 (hg19) VCF-style: chr2-228153886-G-T.
Other names: short protein forms E968*.
Identifiers: ClinVar variation 5011702 (VCV005011702.1).

ClinVar aggregate classification (germline): Pathogenic (1 of 4 stars; one submission).

Conditions:
Alport syndrome. Also called: Hemorrhagic familial nephritis; Hemorrhagic hereditary nephritis; Congenital hereditary hematuria. Identifiers: Orphanet 63, MedGen C1567741, MONDO:0018965.

Submission:

Myriad Genetics, Inc.
Classification: Pathogenic for Alport syndrome. Last evaluated: 2023-09-21. Review status: criteria provided, single submitter. Criteria: Myriad Autosomal Dominant, Autosomal Recessive and X-Linked Classification Criteria (2023). Collection method: clinical testing. Allele origin: unknown.
Comment: NM_000091.4(COL4A3):c.2902G>T(E968*) is expected to be pathogenic in the context of Alport syndrome, COL4A3-related. This variant is predicted to lead to an abnormal or absent protein product due to the creation of a premature termination codon in COL4A3, a gene where loss-of-function variants are known to be pathogenic. Please note: this variant was assessed in the context of healthy population screening.